The following is an entry in ClinVar:

ClinVar aggregate classification (germline): Uncertain significance. Review status: criteria provided, multiple submitters, no conflicts (2 of 4 stars). 3 submissions from 3 submitters: Uncertain significance (3). Last evaluated 2026-03-12.

Conditions:
Cardiovascular phenotype. Identifiers: MedGen CN230736.
Brugada syndrome 8 (BRGDA8). Identifiers: Orphanet 130, MedGen C2751083, MONDO:0013148, OMIM 613123.

Allele frequency attached by ClinVar (database versions not stated): ExAC 0.00001; gnomAD exomes 0.00001 and 0.00002.
gnomAD v4.1: 24 of 1,595,188 alleles (0.0015%); highest among the groups gnomAD compares: Non-Finnish European, 0.002%; no homozygotes.

Submissions (3):

Ambry Genetics
Classification: Uncertain significance for Cardiovascular phenotype. Last evaluated: 2026-03-12. Review status: criteria provided, single submitter. Criteria: Ambry Variant Classification Scheme 2023. Collection method: clinical testing. Allele origin: germline.
Comment: The p.G813R variant (also known as c.2437G>A), located in coding exon 8 of the HCN4 gene, results from a G to A substitution at nucleotide position 2437. The glycine at codon 813 is replaced by arginine, an amino acid with dissimilar properties. This amino acid position is conserved. In addition, this alteration is predicted to be tolerated by in silico analysis. Based on the available evidence, the clinical significance of this variant remains unclear.

Women's Health and Genetics/Laboratory Corporation of America, LabCorp
Classification: Uncertain significance. Last evaluated: 2025-01-04. Review status: criteria provided, single submitter. Criteria: LabCorp Variant Classification Summary - May 2015. Collection method: clinical testing. Allele origin: germline.

Labcorp Genetics (formerly Invitae), Labcorp
Classification: Uncertain significance for Brugada syndrome 8. Last evaluated: 2023-12-22. Review status: criteria provided, single submitter. Criteria: Invitae Variant Classification Sherloc (09022015). Collection method: clinical testing. Allele origin: germline.
Comment: This sequence change replaces glycine, which is neutral and non-polar, with arginine, which is basic and polar, at codon 813 of the HCN4 protein (p.Gly813Arg). This variant is present in population databases (rs766096127, gnomAD 0.002%). This variant has not been reported in the literature in individuals affected with HCN4-related conditions. ClinVar contains an entry for this variant (Variation ID: 1004807). Advanced modeling of protein sequence and biophysical properties (such as structural, functional, and spatial information, amino acid conservation, physicochemical variation, residue mobility, and thermodynamic stability) performed at Invitae indicates that this missense variant is not expected to disrupt HCN4 protein function with a negative predictive value of 95%. In summary, the available evidence is currently insufficient to determine the role of this variant in disease. Therefore, it has been classified as a Variant of Uncertain Significance.

NM_005477.3(HCN4):c.2437G>A (p.Gly813Arg)

Gene: HCN4 (hyperpolarization activated cyclic nucleotide gated potassium channel 4; minus strand). Cytogenetic location: 15q24.1.
Variant type: single nucleotide variant.
Coding change: c.2437G>A on transcript NM_005477.3 (MANE Select); coding-DNA position 2437, G replaced by A.
Protein change: p.Gly813Arg; replaces glycine 813 with arginine.
Molecular consequence: missense variant.
Genome position (GRCh38, 1-based): chr15:73,323,656, C>T on the plus strand (G>A on the coding strand, the complement: HCN4 is on the minus strand). VCF-style: chr15-73323656-C-T. GRCh37 (hg19) VCF-style: chr15-73615997-C-T.
Other names: c.2437G>A (NM_005477.2); short protein forms G813R.
Identifiers: ClinVar variation 1004807 (VCV001004807.11), dbSNP rs766096127, ClinGen allele CA7649028.